The following is an entry in ClinVar:

NM_000059.4(BRCA2):c.7806-2_7806-1dup

Gene: BRCA2 (BRCA2 DNA repair associated; plus strand). Cytogenetic location: 13q13.1.
Variant type: Duplication.
Coding change: c.7806-2_7806-1dup on transcript NM_000059.4 (MANE Select); the canonical splice acceptor site of the intron before coding-DNA position 7806, 2 bases duplicated (AG; older notation c.7806-2_7806-1dupAG).
Molecular consequence: splice acceptor variant.
Genome position (GRCh38, 1-based): chr13:32,362,521-32,362,522, AG duplicated. VCF-style (leftmost placement, unchanged base first): chr13-32362520-C-CAG. GRCh37 (hg19) VCF-style: chr13-32936657-C-CAG.
Identifiers: ClinVar variation 812555 (VCV000812555.4), dbSNP rs1593923877, ClinGen allele CA915946879.

ClinVar aggregate classification (germline): Pathogenic (3 of 4 stars; one submission).

Conditions:
Breast-ovarian cancer, familial, susceptibility to, 2 (BROVCA2). Also called: BRCA2 Hereditary Breast and Ovarian Cancer. Identifiers: Orphanet 145, MedGen C2675520, MONDO:0012933, OMIM 612555. Disease mechanism: loss of function.

Submission:

Evidence-based Network for the Interpretation of Germline Mutant Alleles (ENIGMA)
Classification: Pathogenic for Breast-ovarian cancer, familial, susceptibility to, 2. Last evaluated: 2019-06-18. Review status: reviewed by expert panel. Criteria: ENIGMA BRCA1/2 Classification Criteria (2017-06-29). Collection method: curation. Allele origin: germline.
Comment: IARC class based on posterior probability from multifactorial likelihood analysis, thresholds for class as per Plon et al. 2008 (PMID: 18951446). Class 5 based on posterior probability = 0.999737

Literature cited by the submitters: PubMed 31131967.